The following is an entry in ClinVar:

NM_020975.6(RET):c.640T>G (p.Phe214Val)

Gene: RET (ret proto-oncogene; plus strand). Cytogenetic location: 10q11.21.
Variant type: single nucleotide variant.
Coding change: c.640T>G on transcript NM_020975.6 (MANE Select); coding-DNA position 640, T replaced by G.
Protein change: p.Phe214Val; replaces phenylalanine 214 with valine.
Molecular consequence: missense variant. On other transcripts: 5 prime UTR variant (1), intron variant (22).
Genome position (GRCh38, 1-based): chr10:43,104,966, T>G. VCF-style: chr10-43104966-T-G. GRCh37 (hg19) VCF-style: chr10-43600414-T-G.
Other names: c.640T>G, p.Phe214Val (NM_000323.2, NM_001406743.1, NM_001406744.1 and 8 more transcripts); c.-123T>G (NM_001355216.2); c.511T>G, p.Phe171Val (NM_001406761.1, NM_001406762.1, NM_001406764.1 and 2 more transcripts); c.352T>G, p.Phe118Val (NM_001406766.1, NM_001406767.1, NM_001406770.1); c.625+2337T>G (NM_001406773.1, NM_001406771.1, NM_001406782.1 and 5 more transcripts); c.496+2337T>G (NM_001406786.1, NM_001406783.1); c.338-4065T>G (NM_001406778.1, NM_001406775.1, NM_001406776.1 and 1 more transcripts); c.337+4244T>G (NM_001406790.1, NM_001406788.1, NM_001406789.1 and 1 more transcripts); and 2 more; short protein forms F214V, F118V, F171V.
Identifiers: ClinVar variation 2568349 (VCV002568349.3), dbSNP rs2132703056, ClinGen allele CA376544309.
Genomic context (GRCh38, chr10:43,104,966, plus strand): 5'-GTCCCGGCTGGTGATCACGCGGGGCCCCTGTCTGCTTGGTGCGCAGGTGAGGGTCTGCCC[T>G]TCCGCTGCGCCCCGGACAGCCTGGAGGTGAGCACGCGCTGGGCCCTGGACCGCGAGCAGC-3'
Protein context (NP_066124.1, residues 204-224): YRLLEGEGLP[Phe214Val]RCAPDSLEVS

ClinVar aggregate classification (germline): Uncertain significance. Review status: criteria provided, multiple submitters, no conflicts (2 of 4 stars). 2 submissions from 2 submitters: Uncertain significance (2). Last evaluated 2023-10-23.

Conditions:
Hereditary cancer-predisposing syndrome. Also called: Hereditary neoplastic syndrome; Hereditary Cancer Syndrome; Neoplastic Syndromes, Hereditary; Tumor predisposition. Identifiers: Orphanet 140162, MedGen C0027672, MeSH D009386, MONDO:0015356.
Multiple endocrine neoplasia, type 2 (MEN2). Identifiers: Orphanet 653, MedGen C4048306, MONDO:0019003. Disease mechanism: gain of function.

Allele frequency attached by ClinVar (database versions not stated): gnomAD exomes below 0.00001.

Submissions (2):

All of Us Research Program, National Institutes of Health
Classification: Uncertain significance for Multiple endocrine neoplasia, type 2. Last evaluated: 2023-10-23. Review status: criteria provided, single submitter. Criteria: ACMG Guidelines, 2015. Collection method: clinical testing. Allele origin: germline. Inheritance: Autosomal dominant inheritance. Observed: 1 variant allele, 1 heterozygote.
Comment: This missense variant replaces phenylalanine with valine at codon 214 of the RET protein. Computational prediction suggests that this variant may have deleterious impact on protein structure and function (internally defined REVEL score threshold >= 0.7, PMID: 27666373). To our knowledge, functional studies have not been reported for this variant. This variant has not been reported in individuals affected with RET-related disorders in the literature. This variant has not been identified in the general population by the Genome Aggregation Database (gnomAD). The available evidence is insufficient to determine the role of this variant in disease conclusively. Therefore, this variant is classified as a Variant of Uncertain Significance.

This study involves interpretation of variants in research participants for the purpose of population health screening. Participant phenotype was not available at the time of variant classification. Additional details can be found in publication PMID: 35346344, PMCID: PMC8962531

Ambry Genetics
Classification: Uncertain significance for Hereditary cancer-predisposing syndrome. Last evaluated: 2023-05-01. Review status: criteria provided, single submitter. Criteria: Ambry Variant Classification Scheme 2023. Collection method: clinical testing. Allele origin: germline.
Comment: The p.F214V variant (also known as c.640T>G), located in coding exon 4 of the RET gene, results from a T to G substitution at nucleotide position 640. The phenylalanine at codon 214 is replaced by valine, an amino acid with highly similar properties. This amino acid position is conserved. In addition, this alteration is predicted to be deleterious by in silico analysis. Since supporting evidence is limited at this time, the clinical significance of this alteration remains unclear.